The following is an entry in ClinVar:

ClinVar aggregate classification (germline): Uncertain significance (1 of 4 stars; one submission).

Conditions:
Hereditary cancer-predisposing syndrome. Also called: Tumor predisposition; Hereditary neoplastic syndrome; Hereditary Cancer Syndrome; Neoplastic Syndromes, Hereditary. Identifiers: Orphanet 140162, MedGen C0027672, MeSH D009386, MONDO:0015356.

gnomAD v4.1: 1 of 1,509,624 alleles (0.000066%); highest among the groups gnomAD compares: African/African-American, 0.0014%; no homozygotes.

Submission:

Ambry Genetics
Classification: Uncertain significance for Hereditary cancer-predisposing syndrome. Last evaluated: 2025-04-02. Review status: criteria provided, single submitter. Criteria: Ambry Variant Classification Scheme 2023. Collection method: clinical testing. Allele origin: germline.
Comment: The p.A11D variant (also known as c.32C>A), located in coding exon 1 of the RB1 gene, results from a C to A substitution at nucleotide position 32. The alanine at codon 11 is replaced by aspartic acid, an amino acid with dissimilar properties. This amino acid position is highly conserved in available vertebrate species. In addition, the in silico prediction for this alteration is inconclusive. Based on the available evidence, the clinical significance of this variant remains unclear.

NM_000321.3(RB1):c.32C>A (p.Ala11Asp)

Gene: RB1 (RB transcriptional corepressor 1; plus strand). Cytogenetic location: 13q14.2.
Variant type: single nucleotide variant.
Coding change: c.32C>A on transcript NM_000321.3 (MANE Select); coding-DNA position 32, C replaced by A.
Protein change: p.Ala11Asp; replaces alanine 11 with aspartic acid.
Molecular consequence: missense variant.
Genome position (GRCh38, 1-based): chr13:48,303,944, C>A. VCF-style: chr13-48303944-C-A. GRCh37 (hg19) VCF-style: chr13-48878080-C-A.
Other names: c.32C>A, p.Ala11Asp (NM_001407165.1, NM_001407166.1, NM_001407167.1); short protein forms A11D.
Identifiers: ClinVar variation 3943325 (VCV003943325.1).